The following is an entry in ClinVar:

ClinVar aggregate classification (germline): Uncertain significance (1 of 4 stars; one submission).

Allele frequency attached by ClinVar (database versions not stated): ExAC 0.00001; gnomAD exomes 0.00001.
gnomAD v4.1: 11 of 1,613,864 alleles (0.00068%); highest among the groups gnomAD compares: African/African-American, 0.0013%; no homozygotes.

Submission:

Labcorp Genetics (formerly Invitae), Labcorp
Classification: Uncertain significance. Last evaluated: 2022-07-03. Review status: criteria provided, single submitter. Criteria: Invitae Variant Classification Sherloc (09022015). Collection method: clinical testing. Allele origin: germline.
Comment: Algorithms developed to predict the effect of missense changes on protein structure and function are either unavailable or do not agree on the potential impact of this missense change (SIFT: "Deleterious"; PolyPhen-2: "Benign"; Align-GVGD: "Class C15"). This variant has not been reported in the literature in individuals affected with RSPO2-related conditions. This variant is present in population databases (rs754851458, gnomAD 0.007%). This sequence change replaces aspartic acid, which is acidic and polar, with asparagine, which is neutral and polar, at codon 183 of the RSPO2 protein (p.Asp183Asn). In summary, the available evidence is currently insufficient to determine the role of this variant in disease. Therefore, it has been classified as a Variant of Uncertain Significance.

NM_178565.5(RSPO2):c.547G>A (p.Asp183Asn)

Gene: RSPO2 (R-spondin 2; minus strand). Cytogenetic location: 8q23.1.
Variant type: single nucleotide variant.
Coding change: c.547G>A on transcript NM_178565.5 (MANE Select); coding-DNA position 547, G replaced by A.
Protein change: p.Asp183Asn; replaces aspartic acid 183 with asparagine.
Molecular consequence: missense variant.
Genome position (GRCh38, 1-based): chr8:107,958,149, C>T on the plus strand (G>A on the coding strand, the complement: RSPO2 is on the minus strand). VCF-style: chr8-107958149-C-T. GRCh37 (hg19) VCF-style: chr8-108970377-C-T.
Other names: c.355G>A, p.Asp119Asn (NM_001282863.2); c.346G>A, p.Asp116Asn (NM_001317942.2); short protein forms D116N, D119N, D183N.
Identifiers: ClinVar variation 1973325 (VCV001973325.5), dbSNP rs754851458, ClinGen allele CA4841551.
Genomic context (GRCh38, chr8:107,958,149, plus strand): 5'-AATGCCTCATTGTCATCTTGCATCTCCTGGATTCAGCAATGGTTGGACACAGTATTGTGT[C>T]TTTCACTGGCTTTTTAACAATTTGCCGTGTTCTGGTTTCCAGACCCCATTTAAATCCACA-3'
Protein context (NP_848660.3, residues 173-193): TRQIVKKPVK[Asp183Asn]TILCPTIAES